The following is an entry in ClinVar:

ClinVar aggregate classification (germline): Conflicting classifications of pathogenicity. Review status: criteria provided, conflicting classifications (1 of 4 stars). 5 submissions from 5 submitters: Uncertain significance (1); Likely benign (2). 2 of the submissions do not count toward it. Last evaluated 2025-12-30.

Conditions:
POMGNT1-related disorder. Also called: POMGNT1-related condition; POMGNT1-related disorders. Identifiers: MedGen CN239299.
Muscular dystrophy-dystroglycanopathy (congenital with impaired intellectual development), type B, 3. Also called: MUSCULAR DYSTROPHY, CONGENITAL, POMGNT1-RELATED; Muscular dystrophy-dystroglycanopathy (congenital with intellectual disability), type B3. Identifiers: MedGen C3150412, MONDO:0013155, OMIM 613151.
Autosomal recessive limb-girdle muscular dystrophy type 2O. Also called: Limb-Girdle Muscular Dystrophy Type 3C; MUSCULAR DYSTROPHY-DYSTROGLYCANOPATHY (LIMB-GIRDLE), TYPE C, 3; MUSCULAR DYSTROPHY-DYSTROGLYCANOPATHY, LIMB-GIRDLE, POMGNT1-RELATED. Identifiers: Orphanet 206564, MedGen C3150417, MONDO:0013161, OMIM 613157.
Muscle eye brain disease (MEB). Also called: Santavuori congenital muscular dystrophy. Identifiers: Orphanet 588, Orphanet 899, MedGen C0457133, MONDO:0018939.

Allele frequency attached by ClinVar (database versions not stated): ExAC 0.00003; gnomAD exomes 0.00006 and 0.00024; gnomAD 0.00007 and 0.00017; ESP Exome Variant Server 0.00008; TOPMed 0.00023.
gnomAD v4.1: 372 of 1,613,416 alleles (0.023%); highest among the groups gnomAD compares: Non-Finnish European, 0.029%; 1 homozygote.

Submissions (5):

Labcorp Genetics (formerly Invitae), Labcorp
Classification: Likely benign for Autosomal recessive limb-girdle muscular dystrophy type 2O; Muscular dystrophy-dystroglycanopathy (congenital with impaired intellectual development), type B, 3. Last evaluated: 2025-12-30. Review status: criteria provided, single submitter. Criteria: Invitae Variant Classification Sherloc (09022015). Collection method: clinical testing. Allele origin: germline.

Blueprint Genetics
Classification: Likely benign. Last evaluated: 2023-09-05. Review status: criteria provided, single submitter. Criteria: ACMG Guidelines, 2015. Collection method: clinical testing. Allele origin: germline.

Eurofins Ntd Llc (ga)
Classification: Uncertain significance. Last evaluated: 2017-11-13. Review status: criteria provided, single submitter. Criteria: EGL Classification Definitions 2015. Collection method: clinical testing. Allele origin: germline. Observed: 3 variant alleles, 3 heterozygotes.

Natera, Inc.
Classification: Likely benign for Muscle-eye-brain disease. Last evaluated: 2020-12-05. Review status: no assertion criteria provided. Collection method: clinical testing. Allele origin: germline. Not counted in ClinVar's aggregate classification.

PreventionGenetics, part of Exact Sciences
Classification: Likely benign for POMGNT1-related condition. Last evaluated: 2019-05-20. Review status: no assertion criteria provided. Collection method: clinical testing. Allele origin: germline. Not counted in ClinVar's aggregate classification.
Comment: This variant is classified as likely benign based on ACMG/AMP sequence variant interpretation guidelines (Richards et al. 2015 PMID: 25741868, with internal and published modifications).

NM_017739.4(POMGNT1):c.1831C>T (p.Leu611=)

Genes: POMGNT1 (protein O-linked mannose N-acetylglucosaminyltransferase 1 (beta 1,2-); minus strand), TSPAN1 (tetraspanin 1; plus strand). Cytogenetic location: 1p34.1.
Variant type: single nucleotide variant.
Coding change: c.1831C>T on transcript NM_017739.4 (MANE Select); coding-DNA position 1831, C replaced by T.
Protein change: p.Leu611=; no amino-acid change (leucine 611 retained).
Molecular consequence: synonymous variant.
Genome position (GRCh38, 1-based): chr1:46,189,522, G>A on the plus strand (C>T on the coding strand, the complement: POMGNT1 is on the minus strand). VCF-style: chr1-46189522-G-A. GRCh37 (hg19) VCF-style: chr1-46655194-G-A.
Other names: c.1831C>T (NM_001243766.1); c.1831C>T, p.Leu611= (NM_001243766.2, NM_001410783.1); c.1765C>T, p.Leu589= (NM_001290129.3); c.1402C>T, p.Leu468= (NM_001290130.2).
Identifiers: ClinVar variation 167525 (VCV000167525.18), dbSNP rs367848204, ClinGen allele CA234708.